The following is an entry in ClinVar:

NM_002716.5(PPP2R1B):c.1697+8T>G

Gene: PPP2R1B (protein phosphatase 2 scaffold subunit Abeta; minus strand). Cytogenetic location: 11q23.1.
Variant type: single nucleotide variant.
Coding change: c.1697+8T>G on transcript NM_002716.5 (MANE Select); 8 bases into the intron after coding-DNA position 1697, T replaced by G.
Molecular consequence: intron variant.
Genome position (GRCh38, 1-based): chr11:111,742,515, A>C on the plus strand (T>G on the coding strand, the complement: PPP2R1B is on the minus strand). VCF-style: chr11-111742515-A-C. GRCh37 (hg19) VCF-style: chr11-111613239-A-C.
Other names: c.1505+8T>G (NM_181700.2); c.1697+8T>G (NM_181699.3); c.1316+8T>G (NM_001177563.2); c.1562+8T>G (NM_001177562.2).
Identifiers: ClinVar variation 3051639 (VCV003051639.2), dbSNP rs200059018, ClinGen allele CA6273724.

ClinVar aggregate classification (germline): Likely benign (0 of 4 stars; one submission).

Conditions:
PPP2R1B-related disorder. Also called: PPP2R1B-related condition.

Allele frequency attached by ClinVar (database versions not stated): gnomAD exomes 0.00014; ExAC 0.00037; 1000 Genomes Project 0.00060; 1000 Genomes Project 30x 0.00062; ESP Exome Variant Server 0.00108; gnomAD 0.00125; TOPMed 0.00158.
gnomAD v4.1: 395 of 1,611,302 alleles (0.025%); highest among the groups gnomAD compares: African/African-American, 0.49%; 3 homozygotes.

Submission:

PreventionGenetics, part of Exact Sciences
Classification: Likely benign for PPP2R1B-related condition. Last evaluated: 2020-01-06. Review status: no assertion criteria provided. Collection method: clinical testing. Allele origin: germline.
Comment: This variant is classified as likely benign based on ACMG/AMP sequence variant interpretation guidelines (Richards et al. 2015 PMID: 25741868, with internal and published modifications).